The following is an entry in ClinVar:

ClinVar aggregate classification (germline): Uncertain significance. Review status: criteria provided, multiple submitters, no conflicts (2 of 4 stars). 2 submissions from 2 submitters: Uncertain significance (2). Last evaluated 2025-04-22.

Conditions:
Inborn genetic diseases. Identifiers: MedGen C0950123, MeSH D030342.

gnomAD v4.1: 11 of 1,413,940 alleles (0.00078%); highest among the groups gnomAD compares: Non-Finnish European, 0.001%; no homozygotes.

Submissions (2):

Labcorp Genetics (formerly Invitae), Labcorp
Classification: Uncertain significance. Last evaluated: 2025-04-22. Review status: criteria provided, single submitter. Criteria: Invitae Variant Classification Sherloc (09022015). Collection method: clinical testing. Allele origin: germline.
Comment: This sequence change replaces glutamic acid, which is acidic and polar, with valine, which is neutral and non-polar, at codon 24 of the USP7 protein (p.Glu24Val). This variant is present in population databases (no rsID available, gnomAD 0.007%). This variant has not been reported in the literature in individuals affected with USP7-related conditions. An algorithm developed to predict the effect of missense changes on protein structure and function (PolyPhen-2) suggests that this variant is likely to be tolerated. In summary, the available evidence is currently insufficient to determine the role of this variant in disease. Therefore, it has been classified as a Variant of Uncertain Significance.

Ambry Genetics
Classification: Uncertain significance for Inborn genetic diseases. Last evaluated: 2025-01-09. Review status: criteria provided, single submitter. Criteria: Ambry Variant Classification Scheme 2023. Collection method: clinical testing. Allele origin: germline.

NM_003470.3(USP7):c.71A>T (p.Glu24Val)

Genes: USP7 (ubiquitin specific peptidase 7; minus strand), USP7-AS1 (USP7 antisense RNA 1; plus strand). Cytogenetic location: 16p13.2.
Variant type: single nucleotide variant.
Coding change: c.71A>T on transcript NM_003470.3 (MANE Select); coding-DNA position 71, A replaced by T.
Protein change: p.Glu24Val; replaces glutamic acid 24 with valine.
Molecular consequence: missense variant.
Genome position (GRCh38, 1-based): chr16:8,963,215, T>A on the plus strand (A>T on the coding strand, the complement: USP7 is on the minus strand). VCF-style: chr16-8963215-T-A. GRCh37 (hg19) VCF-style: chr16-9057072-T-A.
Other names: short protein forms E24V.
Identifiers: ClinVar variation 3814481 (VCV003814481.2).
Genomic context (GRCh38, chr16:8,963,215, plus strand): 5'-CCACAATGAAAGGCGCCCCCCGGCCCCGCCGCGGCCGGCCCTCGGGCCTCACCTTCCATC[T>A]CCATGTCCTCGGGCTCGCTCAACTGCTGCTCGCCCGCTTTCTGCTGCTGCTGCTGCTGCT-3'
Protein context (NP_003461.2, residues 14-34): EQQLSEPEDM[Glu24Val]MEAGDTDDPP